The following is an entry in ClinVar:

ClinVar aggregate classification (germline): Pathogenic. Review status: no assertion criteria provided (0 of 4 stars). 2 submissions from 2 submitters: Pathogenic (1). 1 of the submissions does not count toward it. Last evaluated 1996-01-01.

Conditions:
Familial long QT syndrome (RWS). Also called: Romano-Ward syndrome; VENTRICULAR FIBRILLATION WITH PROLONGED QT INTERVAL; Congenital long QT syndrome. Identifiers: Orphanet 768, MedGen C1141890, MONDO:0019171.
Long QT syndrome 1 (LQT1). Identifiers: Orphanet 101016, Orphanet 768, MedGen C4551647, MONDO:0100316, OMIM 192500, MONDO:0008646.

Submissions (2):

OMIM
Classification: Pathogenic for LONG QT SYNDROME 1. Last evaluated: 1996-01-01. Review status: no assertion criteria provided. Collection method: literature only. Allele origin: germline.

Cardiovascular Biomedical Research Unit, Royal Brompton & Harefield NHS Foundation Trust
No classification provided. Condition: Familial long QT syndrome. Review status: no classification provided. Collection method: literature only. Allele origin: germline. Not counted in ClinVar's aggregate classification.
Comment: This variant has been reported as associated with Long QT syndrome in the following publications (PMID:8528244;PMID:9323054;PMID:14678125;PMID:17470695). This is a literature report, and does not necessarily reflect the clinical interpretation of the Imperial College / Royal Brompton Cardiovascular Genetics laboratory.

Literature cited by the submitters: PubMed 8528244 (cited by OMIM and Cardiovascular Biomedical Research Unit, Royal Brompton & Harefield NHS Foundation Trust); PubMed 9323054 (cited by Cardiovascular Biomedical Research Unit, Royal Brompton & Harefield NHS Foundation Trust); PubMed 14678125 (cited by Cardiovascular Biomedical Research Unit, Royal Brompton & Harefield NHS Foundation Trust); PubMed 17470695 (cited by Cardiovascular Biomedical Research Unit, Royal Brompton & Harefield NHS Foundation Trust); PubMed 22581653 (cited by Cardiovascular Biomedical Research Unit, Royal Brompton & Harefield NHS Foundation Trust).

NM_000218.3(KCNQ1):c.532G>C (p.Ala178Pro)

Gene: KCNQ1 (potassium voltage-gated channel subfamily Q member 1; plus strand). Cytogenetic location: 11p15.5.
Variant type: single nucleotide variant.
Coding change: c.532G>C on transcript NM_000218.3 (MANE Select); coding-DNA position 532, G replaced by C.
Protein change: p.Ala178Pro; replaces alanine 178 with proline.
Molecular consequence: missense variant.
Genome position (GRCh38, 1-based): chr11:2,570,682, G>C. VCF-style: chr11-2570682-G-C. GRCh37 (hg19) VCF-style: chr11-2591912-G-C.
Other names: c.532G>C, p.Ala178Pro (NM_001406836.1); c.262G>C, p.Ala88Pro (NM_001406837.1); c.151G>C, p.Ala51Pro (NM_181798.2); c.532G>C (LRG_287t1); short protein forms A178P, A51P, A88P.
Identifiers: ClinVar variation 3113 (VCV000003113.3), dbSNP rs120074177, ClinGen allele CA007364.